The following is an entry in ClinVar:

ClinVar aggregate classification (germline): Likely pathogenic (1 of 4 stars; one submission).

Conditions:
Maple syrup urine disease type 1A (MSUD1A). Also called: MSUD type 1A. Identifiers: MedGen C1855369, MONDO:0023691, OMIM 248600.

gnomAD v4.1: 3 of 1,614,126 alleles (0.00019%); highest among the groups gnomAD compares: Non-Finnish European, 0.00025%; no homozygotes.

Submission:

UAEU Genomics Laboratory, United Arab Emirates University
Classification: Likely pathogenic for Maple syrup urine disease type 1A. Last evaluated: 2022-12-23. Review status: criteria provided, single submitter. Criteria: ACMG Guidelines, 2015. Collection method: research. Allele origin: germline. Affected: yes. Observed: 3 variant alleles.
Comment: PM2, PP3, PP1, PP4

NM_000709.4(BCKDHA):c.288+5G>C

Gene: BCKDHA (branched chain keto acid dehydrogenase E1 subunit alpha; plus strand). Cytogenetic location: 19q13.2.
Variant type: single nucleotide variant.
Coding change: c.288+5G>C on transcript NM_000709.4 (MANE Select); 5 bases into the intron after coding-DNA position 288, G replaced by C.
Molecular consequence: intron variant.
Genome position (GRCh38, 1-based): chr19:41,410,821, G>C. VCF-style: chr19-41410821-G-C. GRCh37 (hg19) VCF-style: chr19-41916726-G-C.
Other names: c.288+5G>C (NM_001164783.2).
Identifiers: ClinVar variation 5042554 (VCV005042554.1).